The following is an entry in ClinVar:

ClinVar aggregate classification (germline): Uncertain significance (1 of 4 stars; one submission).

Conditions:
Inborn genetic diseases. Identifiers: MedGen C0950123, MeSH D030342.

Submission:

Ambry Genetics
Classification: Uncertain significance for Inborn genetic diseases. Last evaluated: 2026-02-21. Review status: criteria provided, single submitter. Criteria: Ambry Variant Classification Scheme 2023. Collection method: clinical testing. Allele origin: germline.
Comment: The p.G255V variant (also known as c.764G>T), located in coding exon 1 of the CEBPA gene, results from a G to T substitution at nucleotide position 764. The glycine at codon 255 is replaced by valine, an amino acid with dissimilar properties. This amino acid position is conserved. In addition, this alteration is predicted to be tolerated by in silico analysis. Based on the available evidence, the clinical significance of this variant remains unclear.

NM_004364.5(CEBPA):c.764G>T (p.Gly255Val)

Gene: CEBPA (CCAAT enhancer binding protein alpha; minus strand). Cytogenetic location: 19q13.11.
Variant type: single nucleotide variant.
Coding change: c.764G>T on transcript NM_004364.5 (MANE Select); coding-DNA position 764, G replaced by T.
Protein change: p.Gly255Val; replaces glycine 255 with valine.
Molecular consequence: missense variant.
Genome position (GRCh38, 1-based): chr19:33,301,651, C>A on the plus strand (G>T on the coding strand, the complement: CEBPA is on the minus strand). VCF-style: chr19-33301651-C-A. GRCh37 (hg19) VCF-style: chr19-33792557-C-A.
Other names: c.407G>T, p.Gly136Val (NM_001285829.2); c.869G>T, p.Gly290Val (NM_001287424.2); c.722G>T, p.Gly241Val (NM_001287435.2); short protein forms G241V, G290V, G136V, G255V.
Identifiers: ClinVar variation 4824867 (VCV004824867.1).